The following is an entry in ClinVar:

ClinVar aggregate classification (germline): Uncertain significance (1 of 4 stars; one submission).

Submission:

Labcorp Genetics (formerly Invitae), Labcorp
Classification: Uncertain significance. Last evaluated: 2019-10-31. Review status: criteria provided, single submitter. Criteria: Invitae Variant Classification Sherloc (09022015). Collection method: clinical testing. Allele origin: germline.
Comment: Algorithms developed to predict the effect of missense changes on protein structure and function (SIFT, PolyPhen-2, Align-GVGD) all suggest that this variant is likely to be disruptive, but these predictions have not been confirmed by published functional studies and their clinical significance is uncertain. In summary, the available evidence is currently insufficient to determine the role of this variant in disease. Therefore, it has been classified as a Variant of Uncertain Significance. This variant is not present in population databases (ExAC no frequency). This variant has not been reported in the literature in individuals with PHEX-related conditions. This sequence change replaces methionine with arginine at codon 618 of the PHEX protein (p.Met618Arg). The methionine residue is highly conserved and there is a moderate physicochemical difference between methionine and arginine.

NM_000444.6(PHEX):c.1853T>G (p.Met618Arg)

Genes: PHEX (phosphate regulating endopeptidase X-linked; plus strand), PTCHD1-AS (PTCHD1 and PHEX antisense RNA; minus strand). Cytogenetic location: Xp22.11.
Variant type: single nucleotide variant.
Coding change: c.1853T>G on transcript NM_000444.6 (MANE Select); coding-DNA position 1853, T replaced by G.
Protein change: p.Met618Arg; replaces methionine 618 with arginine.
Molecular consequence: missense variant.
Genome position (GRCh38, 1-based): chrX:22,221,697, T>G. VCF-style: chrX-22221697-T-G. GRCh37 (hg19) VCF-style: chrX-22239814-T-G.
Other names: c.1853T>G, p.Met618Arg (NM_001282754.2); short protein forms M618R.
Identifiers: ClinVar variation 953985 (VCV000953985.9), dbSNP rs1935274009, ClinGen allele CA412573796.